The following is an entry in ClinVar:

ClinVar aggregate classification (germline): Uncertain significance (1 of 4 stars; one submission).

Allele frequency attached by ClinVar (database versions not stated): gnomAD 0.00001; TOPMed 0.00005; gnomAD exomes 0.00006; ESP Exome Variant Server 0.00008; ExAC 0.00010.
gnomAD v4.1: 93 of 1,612,588 alleles (0.0058%); highest among the groups gnomAD compares: Admixed American, 0.022%; no homozygotes.

Submission:

Labcorp Genetics (formerly Invitae), Labcorp
Classification: Uncertain significance. Last evaluated: 2025-02-03. Review status: criteria provided, single submitter. Criteria: Invitae Variant Classification Sherloc (09022015). Collection method: clinical testing. Allele origin: germline.
Comment: This sequence change replaces arginine, which is basic and polar, with glutamine, which is neutral and polar, at codon 345 of the NCKAP1L protein (p.Arg345Gln). This variant is present in population databases (rs202184477, gnomAD 0.03%). This variant has not been reported in the literature in individuals affected with NCKAP1L-related conditions. ClinVar contains an entry for this variant (Variation ID: 2170824). An algorithm developed to predict the effect of missense changes on protein structure and function (PolyPhen-2) suggests that this variant is likely to be disruptive. In summary, the available evidence is currently insufficient to determine the role of this variant in disease. Therefore, it has been classified as a Variant of Uncertain Significance.

NM_005337.5(NCKAP1L):c.1034G>A (p.Arg345Gln)

Gene: NCKAP1L (NCK associated protein 1 like; plus strand). Cytogenetic location: 12q13.2.
Variant type: single nucleotide variant.
Coding change: c.1034G>A on transcript NM_005337.5 (MANE Select); coding-DNA position 1034, G replaced by A.
Protein change: p.Arg345Gln; replaces arginine 345 with glutamine.
Molecular consequence: missense variant.
Genome position (GRCh38, 1-based): chr12:54,516,931, G>A. VCF-style: chr12-54516931-G-A. GRCh37 (hg19) VCF-style: chr12-54910715-G-A.
Other names: c.884G>A, p.Arg295Gln (NM_001184976.2); short protein forms R295Q, R345Q.
Identifiers: ClinVar variation 2170824 (VCV002170824.3), dbSNP rs202184477, ClinGen allele CA6609026.